The following is an entry in ClinVar:

ClinVar aggregate classification (germline): Likely pathogenic. Review status: criteria provided, multiple submitters, no conflicts (2 of 4 stars). 3 submissions from 3 submitters: Likely pathogenic (3). Last evaluated 2025-11-04.

Conditions:
DNAH9-related disorder. Also called: DNAH9-related condition.

Allele frequency attached by ClinVar (database versions not stated): gnomAD 0.00001; gnomAD exomes 0.00001; TOPMed 0.00001; ExAC 0.00002; ESP Exome Variant Server 0.00008.

Submissions (3):

Labcorp Genetics (formerly Invitae), Labcorp
Classification: Likely pathogenic. Last evaluated: 2025-11-04. Review status: criteria provided, single submitter. Criteria: Invitae Variant Classification Sherloc (09022015). Collection method: clinical testing. Allele origin: germline.
Comment: This sequence change affects a splice site in intron 17 of the DNAH9 gene. It is expected to disrupt RNA splicing. Variants that disrupt the donor or acceptor splice site typically lead to a loss of protein function (PMID: 16199547), and loss-of-function variants in DNAH9 are known to be pathogenic (PMID: 30471718). This variant is present in population databases (rs768238895, gnomAD 0.002%). This variant has not been reported in the literature in individuals affected with DNAH9-related conditions. ClinVar contains an entry for this variant (Variation ID: 986968). Algorithms developed to predict the effect of sequence changes on RNA splicing suggest that this variant may disrupt the consensus splice site. In summary, the currently available evidence indicates that the variant is pathogenic, but additional data are needed to prove that conclusively. Therefore, this variant has been classified as Likely Pathogenic.

PreventionGenetics, part of Exact Sciences
Classification: Likely pathogenic for DNAH9-related condition. Last evaluated: 2023-03-20. Review status: criteria provided, single submitter. Criteria: ACMG Guidelines, 2015. Collection method: clinical testing. Allele origin: germline.
Comment: The DNAH9 c.3354-1delG variant is predicted to result in a deletion affecting a canonical splice site. To our knowledge, this variant has not been reported in the literature. This variant is reported in 0.0018% of alleles in individuals of European (Non-Finnish) descent in gnomAD. Variants that disrupt consensus AG acceptor sites in DNAH9 are expected to be pathogenic. This variant is interpreted as likely pathogenic.

Institute of Medical Genetics and Applied Genomics, University Hospital Tübingen
Classification: Likely pathogenic. Last evaluated: 2020-10-23. Review status: criteria provided, single submitter. Criteria: ACMG Guidelines, 2015. Collection method: clinical testing. Allele origin: germline. Inheritance: Autosomal recessive inheritance. Affected: yes.

Literature cited by the submitters: PubMed 16199547 (cited by Labcorp Genetics (formerly Invitae), Labcorp); PubMed 30471718 (cited by Labcorp Genetics (formerly Invitae), Labcorp).

NM_001372.4(DNAH9):c.3354-1del

Gene: DNAH9 (dynein axonemal heavy chain 9; plus strand). Cytogenetic location: 17p12.
Variant type: Deletion.
Coding change: c.3354-1del on transcript NM_001372.4 (MANE Select); the canonical splice acceptor site of the intron before coding-DNA position 3354, one base deleted (G; older notation c.3354-1delG).
Molecular consequence: splice acceptor variant.
Genome position (GRCh38, 1-based): chr17:11,679,756, G deleted. VCF-style (leftmost placement, unchanged base first): chr17-11679755-AG-A. GRCh37 (hg19) VCF-style: chr17-11583072-AG-A.
Other names: c.3354-1delG (NM_001372.3).
Identifiers: ClinVar variation 986968 (VCV000986968.4), dbSNP rs768238895, ClinGen allele CA8395422.